The following is an entry in ClinVar:

ClinVar aggregate classification (germline): Likely pathogenic (1 of 4 stars; one submission).

Conditions:
alpha Thalassemia. Also called: Alpha thalassemia spectrum. Identifiers: Orphanet 846, MedGen C0002312, MONDO:0011399, OMIM 604131.

Submission:

Natera, Inc.
Classification: Likely pathogenic for Alpha thalassemia. Last evaluated: 2025-09-12. Review status: criteria provided, single submitter. Criteria: Natera Variant Classification Schema (03/2026). Collection method: clinical testing. Allele origin: germline.
Comment: The c.92_96-44del variant in HBA1 is a deletion affecting a canonical splice acceptor site. This variant is expected to result in nonsense mediated decay, truncation, or a dysfunctional protein product. This variant is rare in the general population with a frequency below the threshold expected for the associated phenotype(s). Given the available evidence, this variant is classified as Likely Pathogenic.

NM_000558.5(HBA1):c.92_96-44del

Genes: HBA1 (hemoglobin subunit alpha 1; plus strand), LOC106804613 (hemoglobin subunit alpha 1 recombination region; plus strand). Cytogenetic location: 16p13.3.
Variant type: Deletion.
Coding change: c.92_96-44del on transcript NM_000558.5 (MANE Select); coding-DNA position 92 through 44 bases into the intron before coding-DNA position 96, 78 bases deleted.
Molecular consequence: splice donor variant.
Genome position (GRCh38, 1-based): chr16:176,808-176,885, 78 bases deleted. GRCh37 (hg19): chr16:226,807-226,884.
Identifiers: ClinVar variation 4814421 (VCV004814421.1).